The following is an entry in ClinVar:

NM_007118.4(TRIO):c.2389G>A (p.Asp797Asn)

Gene: TRIO (trio Rho guanine nucleotide exchange factor; plus strand). Cytogenetic location: 5p15.2.
Variant type: single nucleotide variant.
Coding change: c.2389G>A on transcript NM_007118.4 (MANE Select); coding-DNA position 2389, G replaced by A.
Protein change: p.Asp797Asn; replaces aspartic acid 797 with asparagine.
Molecular consequence: missense variant. On other transcripts: non-coding transcript variant (1).
Genome position (GRCh38, 1-based): chr5:14,359,529, G>A. VCF-style: chr5-14359529-G-A. GRCh37 (hg19) VCF-style: chr5-14359638-G-A.
Other names: short protein forms D797N.
Identifiers: ClinVar variation 1704033 (VCV001704033.2), dbSNP rs1743941042, ClinGen allele CA359207480.

ClinVar aggregate classification (germline): Uncertain significance (1 of 4 stars; one submission).

Allele frequency attached by ClinVar (database versions not stated): gnomAD exomes below 0.00001; TOPMed 0.00001.
gnomAD v4.1: 5 of 1,613,286 alleles (0.00031%); highest among the groups gnomAD compares: Non-Finnish European, 0.00034%; no homozygotes.

Submission:

GeneDx
Classification: Uncertain significance. Last evaluated: 2022-03-02. Review status: criteria provided, single submitter. Criteria: GeneDx Variant Classification Process June 2021. Collection method: clinical testing. Allele origin: germline. Affected: yes.
Comment: Not observed at significant frequency in large population cohorts (gnomAD); In silico analysis supports that this missense variant has a deleterious effect on protein structure/function; Has not been previously published as pathogenic or benign to our knowledge